The following is an entry in ClinVar:

NM_001035.3(RYR2):c.4976G>A (p.Arg1659Gln)

Gene: RYR2 (ryanodine receptor 2; plus strand). Cytogenetic location: 1q43.
Variant type: single nucleotide variant.
Coding change: c.4976G>A on transcript NM_001035.3 (MANE Select); coding-DNA position 4976, G replaced by A.
Protein change: p.Arg1659Gln; replaces arginine 1659 with glutamine.
Molecular consequence: missense variant.
Genome position (GRCh38, 1-based): chr1:237,614,104, G>A. VCF-style: chr1-237614104-G-A. GRCh37 (hg19) VCF-style: chr1-237777404-G-A.
Other names: short protein forms R1659Q.
Identifiers: ClinVar variation 919431 (VCV000919431.56), dbSNP rs1281673231, ClinGen allele CA345403747.

ClinVar aggregate classification (germline): Uncertain significance. Review status: criteria provided, multiple submitters, no conflicts (2 of 4 stars). 4 submissions from 4 submitters: Uncertain significance (4). Last evaluated 2026-02-10.

Conditions:
Cardiovascular phenotype. Identifiers: MedGen CN230736.
Catecholaminergic polymorphic ventricular tachycardia 1. Also called: VENTRICULAR TACHYCARDIA, STRESS-INDUCED POLYMORPHIC 1; VENTRICULAR TACHYCARDIA, CATECHOLAMINERGIC POLYMORPHIC, 1, WITH OR WITHOUT ATRIAL DYSFUNCTION AND/OR DILATED CARDIOMYOPATHY; RYR2-Related Catecholaminergic Polymorphic Ventricular Tachycardia. Identifiers: Orphanet 3286, MedGen C1631597, MONDO:0011484, OMIM 604772.
Catecholaminergic polymorphic ventricular tachycardia (CVPT). Also called: Catecholamine-induced polymorphic ventricular tachycardia. Identifiers: Orphanet 3286, MedGen C5574922, MONDO:0017990.
Cardiomyopathy (CMYO). Also called: Cardiomyopathies. Identifiers: Orphanet 167848, MedGen C0878544, MONDO:0004994, HP:0001638. Inheritance: Various modes of inheritance.

gnomAD v4.1: 10 of 1,613,972 alleles (0.00062%); highest among the groups gnomAD compares: Admixed American, 0.0033%; no homozygotes.

Submissions (4):

Ambry Genetics
Classification: Uncertain significance for Cardiovascular phenotype. Last evaluated: 2026-02-10. Review status: criteria provided, single submitter. Criteria: Ambry Variant Classification Scheme 2023. Collection method: clinical testing. Allele origin: germline.
Comment: The p.R1659Q variant (also known as c.4976G>A), located in coding exon 37 of the RYR2 gene, results from a G to A substitution at nucleotide position 4976. The arginine at codon 1659 is replaced by glutamine, an amino acid with highly similar properties. This amino acid position is well conserved in available vertebrate species. In addition, the in silico prediction for this alteration is inconclusive. Based on the available evidence, the clinical significance of this variant remains unclear.

Labcorp Genetics (formerly Invitae), Labcorp
Classification: Uncertain significance for Catecholaminergic polymorphic ventricular tachycardia 1. Last evaluated: 2025-11-10. Review status: criteria provided, single submitter. Criteria: Invitae Variant Classification Sherloc (09022015). Collection method: clinical testing. Allele origin: germline.
Comment: This sequence change replaces arginine, which is basic and polar, with glutamine, which is neutral and polar, at codon 1659 of the RYR2 protein (p.Arg1659Gln). This variant is present in population databases (no rsID available, gnomAD 0.003%). This variant has not been reported in the literature in individuals affected with RYR2-related conditions. ClinVar contains an entry for this variant (Variation ID: 919431). Invitae Evidence Modeling of protein sequence and biophysical properties (such as structural, functional, and spatial information, amino acid conservation, physicochemical variation, residue mobility, and thermodynamic stability) indicates that this missense variant is not expected to disrupt RYR2 protein function with a negative predictive value of 95%. In summary, the available evidence is currently insufficient to determine the role of this variant in disease. Therefore, it has been classified as a Variant of Uncertain Significance.

Color Diagnostics, LLC DBA Color Health
Classification: Uncertain significance for Cardiomyopathy. Last evaluated: 2025-03-31. Review status: criteria provided, single submitter. Criteria: ACMG Guidelines, 2015. Collection method: clinical testing. Allele origin: germline.
Comment: This missense variant replaces arginine with glutamine at codon 1659 of the RYR2 protein. Computational prediction tool is inconclusive regarding the impact of this variant on protein structure and function. To our knowledge, functional studies have not been reported for this variant. This variant has not been reported in individuals affected with RYR2-related disorders in the literature. This variant has been identified in 1/248842 chromosomes in the general population by the Genome Aggregation Database (gnomAD). The available evidence is insufficient to determine the role of this variant in disease conclusively. Therefore, this variant is classified as a Variant of Uncertain Significance.

All of Us Research Program, National Institutes of Health
Classification: Uncertain significance for Catecholaminergic polymorphic ventricular tachycardia. Last evaluated: 2023-12-13. Review status: criteria provided, single submitter. Criteria: ACMG Guidelines, 2015. Collection method: clinical testing. Allele origin: germline. Inheritance: Autosomal dominant inheritance. Observed: 2 variant alleles, 2 heterozygotes.
Comment: This missense variant replaces arginine with glutamine at codon 1659 of the RYR2 protein. Computational prediction is inconclusive regarding the impact of this variant on protein structure and function (internally defined REVEL score threshold 0.5 < inconclusive < 0.7, PMID: 27666373). Splice site prediction tools suggest that this variant may not impact RNA splicing. To our knowledge, functional studies have not been performed for this variant. This variant has not been reported in individuals affected with cardiovascular disorders in the literature. This variant has been identified in 1/248842 chromosomes in the general population by the Genome Aggregation Database (gnomAD). The available evidence is insufficient to determine the role of this variant in disease conclusively. Therefore, this variant is classified as a Variant of Uncertain Significance.

This study involves interpretation of variants in research participants for the purpose of population health screening. Participant phenotype was not available at the time of variant classification. Additional details can be found in publication PMID: 35346344, PMCID: PMC8962531